The following is an entry in ClinVar:

NM_006904.7(PRKDC):c.655G>C (p.Val219Leu)

Gene: PRKDC (protein kinase, DNA-activated, catalytic subunit; minus strand). Cytogenetic location: 8q11.21.
Variant type: single nucleotide variant.
Coding change: c.655G>C on transcript NM_006904.7 (MANE Select); coding-DNA position 655, G replaced by C.
Protein change: p.Val219Leu; replaces valine 219 with leucine.
Molecular consequence: missense variant.
Genome position (GRCh38, 1-based): chr8:47,953,686, C>G on the plus strand (G>C on the coding strand, the complement: PRKDC is on the minus strand). VCF-style: chr8-47953686-C-G. GRCh37 (hg19) VCF-style: chr8-48866246-C-G.
Other names: c.655G>C, p.Val219Leu (NM_001081640.2); short protein forms V219L.
Identifiers: ClinVar variation 642943 (VCV000642943.7), dbSNP rs1247432451, ClinGen allele CA371138491.

ClinVar aggregate classification (germline): Uncertain significance. Review status: criteria provided, multiple submitters, no conflicts (2 of 4 stars). 5 submissions from 5 submitters: Uncertain significance (5). Last evaluated 2023-11-22.

Conditions:
Severe combined immunodeficiency due to DNA-PKcs deficiency. Also called: Immunodeficiency 26 with or without neurologic abnormalities; IMMUNODEFICIENCY 26 WITH NEUROLOGIC ABNORMALITIES. Identifiers: Orphanet 317425, MedGen C4014833, MONDO:0014423, OMIM 615966.

Allele frequency attached by ClinVar (database versions not stated): gnomAD exomes below 0.00001.
gnomAD v4.1: 6 of 1,613,400 alleles (0.00037%); highest among the groups gnomAD compares: Middle Eastern, 0.049%; no homozygotes.

Submissions (5):

Blueprint Genetics
Classification: Uncertain significance. Last evaluated: 2023-11-22. Review status: criteria provided, single submitter. Criteria: ACMG Guidelines, 2015. Collection method: clinical testing. Allele origin: germline.

Ambry Genetics
Classification: Uncertain significance. Last evaluated: 2022-11-07. Review status: criteria provided, single submitter. Criteria: Ambry Variant Classification Scheme 2023. Collection method: clinical testing. Allele origin: germline.

Labcorp Genetics (formerly Invitae), Labcorp
Classification: Uncertain significance for Severe combined immunodeficiency due to DNA-PKcs deficiency. Last evaluated: 2022-08-09. Review status: criteria provided, single submitter. Criteria: Invitae Variant Classification Sherloc (09022015). Collection method: clinical testing. Allele origin: germline.
Comment: This sequence change replaces valine, which is neutral and non-polar, with leucine, which is neutral and non-polar, at codon 219 of the PRKDC protein (p.Val219Leu). The frequency data for this variant in the population databases is considered unreliable, as metrics indicate poor data quality at this position in the gnomAD database. This variant has not been reported in the literature in individuals affected with PRKDC-related conditions. ClinVar contains an entry for this variant (Variation ID: 642943). In summary, the available evidence is currently insufficient to determine the role of this variant in disease. Therefore, it has been classified as a Variant of Uncertain Significance.

Baylor Genetics
Classification: Uncertain significance for Severe combined immunodeficiency due to DNA-PKcs deficiency. Last evaluated: 2020-01-15. Review status: criteria provided, single submitter. Criteria: ACMG Guidelines, 2015. Collection method: clinical testing. Allele origin: unknown. Affected: yes.
Comment: This variant was determined to be of uncertain significance according to ACMG Guidelines, 2015 [PMID:25741868].

Breakthrough Genomics
Classification: Uncertain significance. Review status: criteria provided, single submitter. Criteria: ACMG Guidelines, 2015. Collection method: not provided. Allele origin: germline. Inheritance: Autosomal recessive inheritance. Affected: yes.